The following is an entry in ClinVar:

NM_001395656.1(ROBO2):c.875T>C (p.Met292Thr)

Gene: ROBO2 (roundabout guidance receptor 2; plus strand). Cytogenetic location: 3p12.3.
Variant type: single nucleotide variant.
Coding change: c.875T>C on transcript NM_001395656.1 (MANE Select); coding-DNA position 875, T replaced by C.
Protein change: p.Met292Thr; replaces methionine 292 with threonine.
Molecular consequence: missense variant. On other transcripts: 5 prime UTR variant (1).
Genome position (GRCh38, 1-based): chr3:77,522,843, T>C. VCF-style: chr3-77522843-T-C. GRCh37 (hg19) VCF-style: chr3-77571994-T-C.
Other names: c.923T>C, p.Met308Thr (NM_001128929.3, NM_001378200.1, NM_001378201.1 and 5 more transcripts); c.875T>C, p.Met292Thr (NM_001378197.1, NM_001378202.1, NM_001290039.2 and 3 more transcripts); c.944T>C, p.Met315Thr (NM_001378198.1, NM_001378199.1, NM_001394212.1 and 5 more transcripts); c.-1044T>C (NM_001290065.2); short protein forms M315T, M292T, M308T.
Identifiers: ClinVar variation 2294130 (VCV002294130.5), dbSNP rs2090750337, ClinGen allele CA353575360.
Genomic context (GRCh38, chr3:77,522,843, plus strand): 5'-TCAAAGACGATTACACACTAAGAATTAAAAAGACCATGAGTACAGATGAAGGCACCTATA[T>C]GTGTATTGCTGAGAATCGGGTTGGAAAAATGGAAGCCTCTGCTACACTCACCGTCCGAGG-3'
Protein context (NP_001382585.1, residues 282-302): KTMSTDEGTY[Met292Thr]CIAENRVGKM

ClinVar aggregate classification (germline): Uncertain significance. Review status: criteria provided, multiple submitters, no conflicts (2 of 4 stars). 2 submissions from 2 submitters: Uncertain significance (2). Last evaluated 2023-10-12.

Conditions:
Inborn genetic diseases. Identifiers: MedGen C0950123, MeSH D030342.

Allele frequency attached by ClinVar (database versions not stated): gnomAD exomes below 0.00001; TOPMed below 0.00001; gnomAD 0.00001.
gnomAD v4.1: 4 of 1,609,690 alleles (0.00025%); highest among the groups gnomAD compares: Admixed American, 0.0017%; no homozygotes.

Submissions (2):

Labcorp Genetics (formerly Invitae), Labcorp
Classification: Uncertain significance. Last evaluated: 2023-10-12. Review status: criteria provided, single submitter. Criteria: Invitae Variant Classification Sherloc (09022015). Collection method: clinical testing. Allele origin: germline.
Comment: This sequence change replaces methionine, which is neutral and non-polar, with threonine, which is neutral and polar, at codon 292 of the ROBO2 protein (p.Met292Thr). This variant is not present in population databases (gnomAD no frequency). This variant has not been reported in the literature in individuals affected with ROBO2-related conditions. ClinVar contains an entry for this variant (Variation ID: 2294130). Advanced modeling of protein sequence and biophysical properties (such as structural, functional, and spatial information, amino acid conservation, physicochemical variation, residue mobility, and thermodynamic stability) performed at Invitae indicates that this missense variant is not expected to disrupt ROBO2 protein function. In summary, the available evidence is currently insufficient to determine the role of this variant in disease. Therefore, it has been classified as a Variant of Uncertain Significance.

Ambry Genetics
Classification: Uncertain significance for Inborn genetic diseases. Last evaluated: 2022-06-06. Review status: criteria provided, single submitter. Criteria: Ambry Variant Classification Scheme 2023. Collection method: clinical testing. Allele origin: germline.